The following is an entry in ClinVar:

ClinVar aggregate classification (germline): Uncertain significance. Review status: criteria provided, multiple submitters, no conflicts (2 of 4 stars). 2 submissions from 2 submitters: Uncertain significance (2). Last evaluated 2024-01-17.

Allele frequency attached by ClinVar (database versions not stated): gnomAD 0.00003; TOPMed 0.00003; ESP Exome Variant Server 0.00008.
gnomAD v4.1: 64 of 1,613,642 alleles (0.004%); highest among the groups gnomAD compares: Non-Finnish European, 0.0051%; no homozygotes.

Submissions (2):

Ambry Genetics
Classification: Uncertain significance. Last evaluated: 2024-01-17. Review status: criteria provided, single submitter. Criteria: Ambry Variant Classification Scheme 2023. Collection method: clinical testing. Allele origin: germline.

Mayo Clinic Laboratories, Mayo Clinic
Classification: Uncertain significance. Last evaluated: 2023-11-06. Review status: criteria provided, single submitter. Criteria: ACMG Guidelines, 2015. Collection method: clinical testing. Allele origin: germline. Observed: 1 variant allele.
Comment: BS2

NM_015268.4(DNAJC13):c.5500C>G (p.Leu1834Val)

Gene: DNAJC13 (DnaJ heat shock protein family (Hsp40) member C13; plus strand). Cytogenetic location: 3q22.1.
Variant type: single nucleotide variant.
Coding change: c.5500C>G on transcript NM_015268.4 (MANE Select); coding-DNA position 5500, C replaced by G.
Protein change: p.Leu1834Val; replaces leucine 1834 with valine.
Molecular consequence: missense variant.
Genome position (GRCh38, 1-based): chr3:132,516,436, C>G. VCF-style: chr3-132516436-C-G. GRCh37 (hg19) VCF-style: chr3-132235280-C-G.
Other names: p.Leu1834Val; c.5515C>G, p.Leu1839Val (NM_001329126.2); short protein forms L1834V, L1839V.
Identifiers: ClinVar variation 3084475 (VCV003084475.2), dbSNP rs144228844, ClinGen allele CA2619863.